The following is an entry in ClinVar:

NM_000136.3(FANCC):c.675G>A (p.Glu225=)

Genes: FANCC (FA complementation group C; minus strand), AOPEP (aminopeptidase O (putative); plus strand). Cytogenetic location: 9q22.32.
Variant type: single nucleotide variant.
Coding change: c.675G>A on transcript NM_000136.3 (MANE Select); coding-DNA position 675, G replaced by A.
Protein change: p.Glu225=; no amino-acid change (glutamic acid 225 retained).
Molecular consequence: synonymous variant.
Genome position (GRCh38, 1-based): chr9:95,149,934, C>T on the plus strand (G>A on the coding strand, the complement: FANCC is on the minus strand). VCF-style: chr9-95149934-C-T. GRCh37 (hg19) VCF-style: chr9-97912216-C-T.
Other names: c.675G>A, p.Glu225= (NM_001243743.2, NM_001243744.2).
Identifiers: ClinVar variation 701549 (VCV000701549.14), dbSNP rs760906091, ClinGen allele CA5137671.

ClinVar aggregate classification (germline): Conflicting classifications of pathogenicity. Review status: criteria provided, conflicting classifications (1 of 4 stars). 4 submissions from 4 submitters: Uncertain significance (1); Likely benign (3). Last evaluated 2025-01-20.

Conditions:
Fanconi anemia (FA). Also called: Fanconi's anemia. Identifiers: Orphanet 84, MedGen C0015625, MeSH D005199, MONDO:0019391.
Hereditary cancer-predisposing syndrome. Also called: Hereditary Cancer Syndrome; Tumor predisposition; Neoplastic Syndromes, Hereditary; Hereditary neoplastic syndrome. Identifiers: Orphanet 140162, MedGen C0027672, MeSH D009386, MONDO:0015356.

Allele frequency attached by ClinVar (database versions not stated): gnomAD exomes below 0.00001; TOPMed below 0.00001; ExAC 0.00002; gnomAD 0.00002.
gnomAD v4.1: 5 of 1,603,988 alleles (0.00031%); highest among the groups gnomAD compares: African/African-American, 0.0053%; no homozygotes.

Submissions (4):

Women's Health and Genetics/Laboratory Corporation of America, LabCorp
Classification: Likely benign. Last evaluated: 2025-01-20. Review status: criteria provided, single submitter. Criteria: LabCorp Variant Classification Summary - May 2015. Collection method: clinical testing. Allele origin: germline.

Labcorp Genetics (formerly Invitae), Labcorp
Classification: Likely benign for Fanconi anemia. Last evaluated: 2023-09-21. Review status: criteria provided, single submitter. Criteria: Invitae Variant Classification Sherloc (09022015). Collection method: clinical testing. Allele origin: germline.

GeneDx
Classification: Uncertain significance. Last evaluated: 2023-08-15. Review status: criteria provided, single submitter. Criteria: GeneDx Variant Classification Process June 2021. Collection method: clinical testing. Allele origin: germline. Affected: yes.
Comment: Not observed at significant frequency in large population cohorts (gnomAD); In silico analysis supports that this variant does not alter splicing; Has not been previously published as pathogenic or benign to our knowledge

Ambry Genetics
Classification: Likely benign for Hereditary cancer-predisposing syndrome. Last evaluated: 2021-03-10. Review status: criteria provided, single submitter. Criteria: Ambry Variant Classification Scheme 2023. Collection method: clinical testing. Allele origin: germline.